The following is an entry in ClinVar:

ClinVar aggregate classification (germline): Pathogenic (1 of 4 stars; one submission).

Conditions:
Cardiovascular phenotype. Identifiers: MedGen CN230736.

Submission:

Molecular Diagnostic Laboratory for Inherited Cardiovascular Disease, Montreal Heart Institute
Classification: Pathogenic for Cardiovascular phenotype. Last evaluated: 2024-02-22. Review status: criteria provided, single submitter. Criteria: ACMG Guidelines, 2015. Collection method: clinical testing. Allele origin: germline. Affected: yes.
Comment: PVS1;PM2;PS4_Supp

NM_000238.4(KCNH2):c.3054del (p.Thr1019fs)

Gene: KCNH2 (potassium voltage-gated channel subfamily H member 2; minus strand). Cytogenetic location: 7q36.1.
Variant type: Deletion.
Coding change: c.3054del on transcript NM_000238.4 (MANE Select); coding-DNA position 3054, one base deleted (C; older notation c.3054delC).
Protein change: p.Thr1019fs; shifts the reading frame from threonine 1019.
Molecular consequence: frameshift variant.
Genome position (GRCh38, 1-based): chr7:150,947,426, G deleted on the plus strand (C on the coding strand, the reverse complement: KCNH2 is on the minus strand); the first of 5 consecutive G bases (chr7:150,947,426-150,947,430); deleting any one gives the same sequence. VCF-style (leftmost placement, unchanged base first): chr7-150947425-TG-T. GRCh37 (hg19) VCF-style: chr7-150644513-TG-T.
Other names: c.2034del, p.Thr679fs (NM_172057.3); c.3054del (NM_000238.3); c.3054delC (NM_000238.3); short protein forms T1019fs, T679fs.
Identifiers: ClinVar variation 523705 (VCV000523705.3), dbSNP rs1554424138, ClinGen allele CA658797032.